The following is an entry in ClinVar:

ClinVar aggregate classification (germline): Likely pathogenic. Review status: reviewed by expert panel (3 of 4 stars). 3 submissions from 3 submitters: Likely pathogenic (1). 2 of the submissions do not count toward it. Last evaluated 2026-04-23.

Conditions:
Pitt-Hopkins syndrome (PTHS). Also called: ENCEPHALOPATHY, SEVERE EPILEPTIC, WITH AUTONOMIC DYSFUNCTION; MENTAL RETARDATION, SYNDROMAL, WITH INTERMITTENT HYPERVENTILATION. Identifiers: Orphanet 2896, MedGen C1970431, MONDO:0012589, OMIM 610954.

Submissions (3):

ClinGen Rett and Angelman-like Disorders Variant Curation Expert Panel
Classification: Likely pathogenic for Pitt-Hopkins syndrome. Last evaluated: 2026-04-23. Review status: reviewed by expert panel. Criteria: ClinGen RettAS ACMG Specifications TCF4 V5.0.0. Collection method: curation. Allele origin: germline. Inheritance: Autosomal dominant inheritance.
Comment: The p.Trp362Ter variant in TCF4 is predicted to cause a premature stop codon that leads to a truncated or absent protein in a TCF4 where loss-of-function is an established mechanism. There is significant evidence that loss of this region of the TCF4 is pathogenic (PVS1). The p.Trp362Ter variant in TCF4 is absent from gnomAD (PM2_Supporting). In summary, the p.Trp362Ter variant in TCF4 is classified as likely pathogenic for Pitt-Hopkins syndrome based on the ACMG/AMP criteria (PVS1, PM2_supporting). (TCF4 Specifications v5.0.0; curation approved on 4/23/2026).

GeneDx
Classification: Pathogenic. Last evaluated: 2017-04-27. Review status: criteria provided, single submitter. Criteria: GeneDx Variant Classification (06012015). Collection method: clinical testing. Allele origin: germline. Affected: yes. Not counted in ClinVar's aggregate classification.
Comment: The W362X nonsense variant in the TCF4 gene is predicted to cause loss of normal protein function either through protein truncation or nonsense-mediated mRNA decay. The W362X variant is not observed in large population cohorts (Lek et al., 2016; 1000 Genomes Consortium et al., 2015; Exome Variant Server).

Eurofins Ntd Llc (ga)
Classification: Pathogenic. Last evaluated: 2012-12-27. Review status: criteria provided, single submitter. Criteria: EGL Classification Definitions 2015. Collection method: clinical testing. Allele origin: germline. Observed: 1 variant allele, 1 heterozygote. Not counted in ClinVar's aggregate classification.

NM_001083962.2(TCF4):c.1086G>A (p.Trp362Ter)

Gene: TCF4 (transcription factor 4; minus strand). Cytogenetic location: 18q21.2.
Variant type: single nucleotide variant.
Coding change: c.1086G>A on transcript NM_001083962.2 (MANE Select); coding-DNA position 1086, G replaced by A.
Protein change: p.Trp362Ter; replaces tryptophan 362 with a stop codon.
Molecular consequence: nonsense.
Genome position (GRCh38, 1-based): chr18:55,257,375, C>T on the plus strand (G>A on the coding strand, the complement: TCF4 is on the minus strand). VCF-style: chr18-55257375-C-T. GRCh37 (hg19) VCF-style: chr18-52924606-C-T.
Other names: NM_001083962.2(TCF4):c.1086G>A; c.1392G>A, p.Trp464Ter (NM_001243226.3); c.1014G>A, p.Trp338Ter (NM_001243227.2, NM_001348217.1, NM_001348218.2 and 5 more transcripts); c.1104G>A, p.Trp368Ter (NM_001243228.2); c.1077G>A, p.Trp359Ter (NM_001243230.2); c.960G>A, p.Trp320Ter (NM_001243231.2, NM_001348211.2); c.873G>A, p.Trp291Ter (NM_001243232.1, NM_001306208.1); c.696G>A, p.Trp232Ter (NM_001243233.2, NM_001330605.3, NM_001348212.2 and 1 more transcripts); and 7 more; short protein forms W362*, W146*, W232*, W320*, W337*, W361*, W464*, W201*.
Identifiers: ClinVar variation 93540 (VCV000093540.10), dbSNP rs398123560, ClinGen allele CA266818.